The following is an entry in ClinVar:

ClinVar aggregate classification (germline): Benign/Likely benign. Review status: criteria provided, multiple submitters, no conflicts (2 of 4 stars). 3 submissions from 3 submitters: Benign (1); Likely benign (2). Last evaluated 2024-09-23.

Conditions:
Hereditary cancer-predisposing syndrome. Also called: Hereditary neoplastic syndrome; Neoplastic Syndromes, Hereditary; Tumor predisposition; Hereditary Cancer Syndrome. Identifiers: Orphanet 140162, MedGen C0027672, MeSH D009386, MONDO:0015356.
Hereditary diffuse gastric adenocarcinoma (HDGC). Also called: DIFFUSE GASTRIC AND LOBULAR BREAST CANCER SYNDROME. Identifiers: Orphanet 26106, MedGen C1708349, MONDO:0007648, OMIM 137215.

Allele frequency attached by ClinVar (database versions not stated): gnomAD 0.00001.

Submissions (3):

Myriad Genetics, Inc.
Classification: Benign for Hereditary diffuse gastric adenocarcinoma. Last evaluated: 2024-09-23. Review status: criteria provided, single submitter. Criteria: Myriad Autosomal Dominant, Autosomal Recessive and X-Linked Classification Criteria (2023). Collection method: clinical testing. Allele origin: unknown.
Comment: This variant is considered benign. This variant is a silent/synonymous amino acid change and it is not expected to impact splicing.

Labcorp Genetics (formerly Invitae), Labcorp
Classification: Likely benign for Hereditary diffuse gastric adenocarcinoma. Last evaluated: 2023-07-21. Review status: criteria provided, single submitter. Criteria: Invitae Variant Classification Sherloc (09022015). Collection method: clinical testing. Allele origin: germline.

Ambry Genetics
Classification: Likely benign for Hereditary cancer-predisposing syndrome. Last evaluated: 2016-08-25. Review status: criteria provided, single submitter. Criteria: Ambry Variant Classification Scheme 2023. Collection method: clinical testing. Allele origin: germline.

NM_004360.5(CDH1):c.2364A>G (p.Ala788=)

Gene: CDH1 (cadherin 1; plus strand). Cytogenetic location: 16q22.1.
Variant type: single nucleotide variant.
Coding change: c.2364A>G on transcript NM_004360.5 (MANE Select); coding-DNA position 2364, A replaced by G.
Protein change: p.Ala788=; no amino-acid change (alanine 788 retained).
Molecular consequence: synonymous variant.
Genome position (GRCh38, 1-based): chr16:68,829,722, A>G. VCF-style: chr16-68829722-A-G. GRCh37 (hg19) VCF-style: chr16-68863625-A-G.
Other names: c.2364A>G (LRG_301t1); c.2181A>G, p.Ala727= (NM_001317184.2); c.816A>G, p.Ala272= (NM_001317185.2); c.399A>G, p.Ala133= (NM_001317186.2).
Identifiers: ClinVar variation 483223 (VCV000483223.17), dbSNP rs1555517873, ClinGen allele CA496157438.